The following is an entry in ClinVar:

NM_198578.4(LRRK2):c.2039C>T (p.Ser680Phe)

Gene: LRRK2 (leucine rich repeat kinase 2; plus strand). Cytogenetic location: 12q12.
Variant type: single nucleotide variant.
Coding change: c.2039C>T on transcript NM_198578.4 (MANE Select); coding-DNA position 2039, C replaced by T.
Protein change: p.Ser680Phe; replaces serine 680 with phenylalanine.
Molecular consequence: missense variant.
Genome position (GRCh38, 1-based): chr12:40,277,985, C>T. VCF-style: chr12-40277985-C-T. GRCh37 (hg19) VCF-style: chr12-40671787-C-T.
Other names: short protein forms S680F.
Identifiers: ClinVar variation 2567428 (VCV002567428.2), dbSNP rs755352609, ClinGen allele CA6513531.
Genomic context (GRCh38, chr12:40,277,985, plus strand): 5'-CATCTTTTTCTAAGCTGCTGGTGCATCATTCATTTGACTTAGTAATATTCCATCAAATGT[C>T]TTCCAATATCATGGAACAAAAGGATCAACAGGTACAGTGTTTTTCACTTGCATCCTAAAT-3'
Protein context (NP_940980.4, residues 670-690): SFDLVIFHQM[Ser680Phe]SNIMEQKDQQ

ClinVar aggregate classification (germline): Uncertain significance (1 of 4 stars; one submission).

Conditions:
Inborn genetic diseases. Identifiers: MedGen C0950123, MeSH D030342.

Allele frequency attached by ClinVar (database versions not stated): gnomAD exomes below 0.00001; ExAC 0.00001.
gnomAD v4.1: 1 of 1,613,574 alleles (0.000062%); highest among the groups gnomAD compares: Non-Finnish European, 0.000085%; no homozygotes.

Submission:

Ambry Genetics
Classification: Uncertain significance for Inborn genetic diseases. Last evaluated: 2023-05-27. Review status: criteria provided, single submitter. Criteria: Ambry Variant Classification Scheme 2023. Collection method: clinical testing. Allele origin: germline.
Comment: The p.S680F variant (also known as c.2039C>T), located in coding exon 17 of the LRRK2 gene, results from a C to T substitution at nucleotide position 2039. The serine at codon 680 is replaced by phenylalanine, an amino acid with highly dissimilar properties. This amino acid position is conserved. In addition, this alteration is predicted to be deleterious by in silico analysis. Since supporting evidence is limited at this time, the clinical significance of this alteration remains unclear.